The following is an entry in ClinVar:

ClinVar aggregate classification (germline): Benign. Review status: criteria provided, single submitter (1 of 4 stars). 2 submissions from 2 submitters: Benign (1). 1 of the submissions does not count toward it. Last evaluated 2025-11-10.

Conditions:
VPS13D-related disorder. Also called: VPS13D-related condition.

Allele frequency attached by ClinVar (database versions not stated): gnomAD exomes 0.00007; gnomAD 0.00017; TOPMed 0.00020; ExAC 0.00039; 1000 Genomes Project 30x 0.00125; 1000 Genomes Project 0.00140.
gnomAD v4.1: 128 of 1,613,572 alleles (0.0079%); highest among the groups gnomAD compares: East Asian, 0.27%; 1 homozygote.

Submissions (2):

Labcorp Genetics (formerly Invitae), Labcorp
Classification: Benign. Last evaluated: 2025-11-10. Review status: criteria provided, single submitter. Criteria: Invitae Variant Classification Sherloc (09022015). Collection method: clinical testing. Allele origin: germline.

PreventionGenetics, part of Exact Sciences
Classification: Likely benign for VPS13D-related condition. Last evaluated: 2019-10-28. Review status: no assertion criteria provided. Collection method: clinical testing. Allele origin: germline. Not counted in ClinVar's aggregate classification.
Comment: This variant is classified as likely benign based on ACMG/AMP sequence variant interpretation guidelines (Richards et al. 2015 PMID: 25741868, with internal and published modifications).

NM_015378.4(VPS13D):c.8561T>G (p.Leu2854Arg)

Gene: VPS13D (vacuolar protein sorting 13 homolog D; plus strand). Cytogenetic location: 1p36.22.
Variant type: single nucleotide variant.
Coding change: c.8561T>G on transcript NM_015378.4 (MANE Select); coding-DNA position 8561, T replaced by G.
Protein change: p.Leu2854Arg; replaces leucine 2854 with arginine.
Molecular consequence: missense variant. On other transcripts: intron variant (1).
Genome position (GRCh38, 1-based): chr1:12,338,240, T>G. VCF-style: chr1-12338240-T-G. GRCh37 (hg19) VCF-style: chr1-12398297-T-G.
Other names: c.8551+2413T>G (NM_018156.4); c.8561T>G (NM_015378.3); short protein forms L2854R.
Identifiers: ClinVar variation 2060881 (VCV002060881.6), dbSNP rs200096106, ClinGen allele CA603170.
Genomic context (GRCh38, chr1:12,338,240, plus strand): 5'-ATTTCACTGTATTTATTCTTAGCCTCTAACTTTGTCTCTCCTGTCTACCAGGCCTCCCCC[T>G]TGTCTACCTTAGAACTAGGAGTACAGCCAGTCTGACTAACCTAGAGCACCAGATCTATGC-3'
Protein context (NP_056193.2, residues 2844-2864): DPPCFGQSLP[Leu2854Arg]VYLRTRSTAS